The following is an entry in ClinVar:

ClinVar aggregate classification (germline): Pathogenic (1 of 4 stars; one submission).

Submission:

Labcorp Genetics (formerly Invitae), Labcorp
Classification: Pathogenic. Last evaluated: 2018-06-07. Review status: criteria provided, single submitter. Criteria: Invitae Variant Classification Sherloc (09022015). Collection method: clinical testing. Allele origin: germline.
Comment: Loss-of-function variants in KATNB1 are known to be pathogenic (PMID: 25521378, 25521379). This variant has not been reported in the literature in individuals with KATNB1-related disease. This variant is not present in population databases (ExAC no frequency). This sequence change creates a premature translational stop signal (p.Ser297Profs*6) in the KATNB1 gene. It is expected to result in an absent or disrupted protein product. For these reasons, this variant has been classified as Pathogenic.

Literature cited by the submitters: PubMed 25521378; PubMed 25521379.

NM_005886.3(KATNB1):c.888del (p.Ser297fs)

Gene: KATNB1 (katanin regulatory subunit B1; plus strand). Cytogenetic location: 16q21.
Variant type: Deletion.
Coding change: c.888del on transcript NM_005886.3 (MANE Select); coding-DNA position 888, one base deleted (C; older notation c.888delC).
Protein change: p.Ser297fs; shifts the reading frame from serine 297.
Molecular consequence: frameshift variant.
Genome position (GRCh38, 1-based): chr16:57,753,109, C deleted; the last of 2 consecutive C bases (chr16:57,753,108-57,753,109); deleting either gives the same sequence. VCF-style (leftmost placement, unchanged base first): chr16-57753107-TC-T. GRCh37 (hg19) VCF-style: chr16-57787019-TC-T.
Other names: short protein forms S297fs.
Identifiers: ClinVar variation 1070302 (VCV001070302.7), dbSNP rs2148795145, ClinGen allele CA2499223614.